The following is an entry in ClinVar:

ClinVar aggregate classification (germline): Uncertain significance. Review status: criteria provided, multiple submitters, no conflicts (2 of 4 stars). 2 submissions from 2 submitters: Uncertain significance (2). Last evaluated 2024-10-16.

Conditions:
Joubert syndrome 3 (JBTS3). Also called: AHI1-related Ciliopathy. Identifiers: Orphanet 220493, MedGen C1837713, MONDO:0012078, OMIM 608629.
Joubert syndrome. Also called: Familial aplasia of the vermis; CEREBELLOPARENCHYMAL DISORDER IV; JOUBERT-BOLTSHAUSER SYNDROME. Identifiers: Orphanet 475, MedGen C5979921, MONDO:0018772.

Allele frequency attached by ClinVar (database versions not stated): gnomAD exomes below 0.00001; ExAC 0.00001; gnomAD 0.00001; 1000 Genomes Project 30x 0.00016; 1000 Genomes Project 0.00020.

Submissions (2):

Labcorp Genetics (formerly Invitae), Labcorp
Classification: Uncertain significance for Joubert syndrome. Last evaluated: 2024-10-16. Review status: criteria provided, single submitter. Criteria: Invitae Variant Classification Sherloc (09022015). Collection method: clinical testing. Allele origin: germline.
Comment: This sequence change replaces alanine, which is neutral and non-polar, with valine, which is neutral and non-polar, at codon 834 of the AHI1 protein (p.Ala834Val). This variant is not present in population databases (gnomAD no frequency). This variant has not been reported in the literature in individuals affected with AHI1-related conditions. ClinVar contains an entry for this variant (Variation ID: 937667). Invitae Evidence Modeling of protein sequence and biophysical properties (such as structural, functional, and spatial information, amino acid conservation, physicochemical variation, residue mobility, and thermodynamic stability) indicates that this missense variant is not expected to disrupt AHI1 protein function with a negative predictive value of 95%. Algorithms developed to predict the effect of sequence changes on RNA splicing suggest that this variant may disrupt the consensus splice site. In summary, the available evidence is currently insufficient to determine the role of this variant in disease. Therefore, it has been classified as a Variant of Uncertain Significance.

Victorian Clinical Genetics Services, Murdoch Childrens Research Institute
Classification: Uncertain significance for Joubert syndrome 3. Last evaluated: 2020-05-21. Review status: criteria provided, single submitter. Criteria: ACMG Guidelines, 2015. Collection method: clinical testing. Allele origin: germline. Inheritance: Autosomal recessive inheritance.
Comment: Based on the classification scheme VCGS_Germline_v1.1.1, this variant is classified as VUS – 3C. Following criteria are met: 0102 - Loss-of-function is a known mechanism of disease for this gene. (N) 0106 - This gene is known to be associated with autosomal recessive disease. (N) 0200 - Variant is predicted to result in a missense amino acid change from alanine to valine (exon 19). (N) 0251 - Variant is heterozygous. (N) 0304 - Variant is present in gnomAD <0.01 for a recessive condition (1 heterozygote, 0 homozygote). (P) 0503 - Missense variant consistently predicted to be tolerated or not conserved in mammals with a minor amino acid change. (B) 0600 - Variant is located in an annotated domain or motif, (WD40 repeat; NCBI). (N) 0705 - No comparable variants have previous evidence for pathogenicity. (N) 0807 - Variant has not previously been reported in a clinical context. (N) 0905 - No segregation evidence has been identified for this variant. (N) 1007 - No published functional evidence has been identified for this variant. (N) 1208 - Inheritance information for this variant is not currently available. (N) Legend: (P) - Pathogenic, (N) - Neutral, (B) - Benign

NM_001134831.2(AHI1):c.2501C>T (p.Ala834Val)

Gene: AHI1 (Abelson helper integration site 1; minus strand). Cytogenetic location: 6q23.3.
Variant type: single nucleotide variant.
Coding change: c.2501C>T on transcript NM_001134831.2 (MANE Select); coding-DNA position 2501, C replaced by T.
Protein change: p.Ala834Val; replaces alanine 834 with valine.
Molecular consequence: missense variant.
Genome position (GRCh38, 1-based): chr6:135,428,751, G>A on the plus strand (C>T on the coding strand, the complement: AHI1 is on the minus strand). VCF-style: chr6-135428751-G-A. GRCh37 (hg19) VCF-style: chr6-135749889-G-A.
Other names: c.2501C>T, p.Ala834Val (NM_001134830.2, NM_001134832.2, NM_001350503.2 and 2 more transcripts); short protein forms A834V.
Identifiers: ClinVar variation 937667 (VCV000937667.10), dbSNP rs529407899, ClinGen allele CA4012353.